The following is an entry in ClinVar:

NM_001184900.3(CARD8):c.1036-10_1036-9delinsGT

Gene: CARD8 (caspase recruitment domain family member 8; minus strand). Cytogenetic location: 19q13.33.
Variant type: Indel.
Coding change: c.1036-10_1036-9delinsGT on transcript NM_001184900.3 (MANE Select); 10 bases into the intron before coding-DNA position 1036 through 9 bases into the intron before coding-DNA position 1036, TC replaced by GT.
Molecular consequence: intron variant.
Genome position (GRCh38, 1-based): chr19:48,221,864-48,221,865, GA replaced by AC on the plus strand (TC replaced by GT on the coding strand, the reverse complement: CARD8 is on the minus strand). VCF-style: chr19-48221864-GA-AC. GRCh37 (hg19) VCF-style: chr19-48725121-GA-AC.
Other names: c.721-10_721-9delinsGT (NM_001351787.2, NM_001351791.2, NM_001351792.2 and 1 more transcripts); c.886-10_886-9delinsGT (NM_001351788.2, NM_001351789.2, NM_014959.5 and 2 more transcripts); c.700-10_700-9delinsGT (NM_001351786.2); c.793-10_793-9delinsGT (NM_001351790.2); c.1036-10_1036-9delinsGT (NM_001184902.2, NM_001351782.2, NM_001184903.1); c.718-10_718-9delinsGT (NM_001365950.1).
Identifiers: ClinVar variation 2777839 (VCV002777839.3), dbSNP rs2514284017, ClinGen allele CA2739276904.

ClinVar aggregate classification (germline): Uncertain significance (1 of 4 stars; one submission).

Submission:

Labcorp Genetics (formerly Invitae), Labcorp
Classification: Uncertain significance. Last evaluated: 2023-04-20. Review status: criteria provided, single submitter. Criteria: Invitae Variant Classification Sherloc (09022015). Collection method: clinical testing. Allele origin: germline.
Comment: In summary, the available evidence is currently insufficient to determine the role of this variant in disease. Therefore, it has been classified as a Variant of Uncertain Significance. Experimental studies and prediction algorithms are not available or were not evaluated, and the effect of this variant on mRNA splicing is currently unknown. This variant has not been reported in the literature in individuals affected with CARD8-related conditions. Information on the frequency of this variant in the gnomAD database is not available, as this variant may be reported differently in the database. This sequence change falls in intron 8 of the CARD8 gene. It does not directly change the encoded amino acid sequence of the CARD8 protein.